The following is an entry in ClinVar:

ClinVar aggregate classification (germline): Uncertain significance. Review status: criteria provided, multiple submitters, no conflicts (2 of 4 stars). 2 submissions from 2 submitters: Uncertain significance (2). Last evaluated 2024-01-03.

Conditions:
Early-onset Lafora body disease. Also called: Epilepsy, progressive myoclonic, 10. Identifiers: Orphanet 324290, MedGen C4225258, MONDO:0014717, OMIM 616640.

Allele frequency attached by ClinVar (database versions not stated): gnomAD 0.00001 and 0.00002; TOPMed 0.00001.
gnomAD v4.1: 17 of 1,557,486 alleles (0.0011%); highest among the groups gnomAD compares: Middle Eastern, 0.018%; no homozygotes.

Submissions (2):

Ambry Genetics
Classification: Uncertain significance. Last evaluated: 2024-01-03. Review status: criteria provided, single submitter. Criteria: Ambry Variant Classification Scheme 2023. Collection method: clinical testing. Allele origin: germline.

Labcorp Genetics (formerly Invitae), Labcorp
Classification: Uncertain significance for Early-onset Lafora body disease. Last evaluated: 2021-01-17. Review status: criteria provided, single submitter. Criteria: Invitae Variant Classification Sherloc (09022015). Collection method: clinical testing. Allele origin: germline.
Comment: This sequence change replaces aspartic acid with glutamic acid at codon 530 of the PRDM8 protein (p.Asp530Glu). The aspartic acid residue is moderately conserved and there is a small physicochemical difference between aspartic acid and glutamic acid. This variant is present in population databases (rs763088636, ExAC 0.02%). This variant has not been reported in the literature in individuals with PRDM8-related conditions. Algorithms developed to predict the effect of missense changes on protein structure and function output the following: SIFT: "Tolerated"; PolyPhen-2: "Possibly Damaging"; Align-GVGD: "Class C0". The glutamic acid amino acid residue is found in multiple mammalian species, suggesting that this missense change does not adversely affect protein function. These predictions have not been confirmed by published functional studies and their clinical significance is uncertain. In summary, the available evidence is currently insufficient to determine the role of this variant in disease. Therefore, it has been classified as a Variant of Uncertain Significance.

NM_001099403.2(PRDM8):c.1590C>G (p.Asp530Glu)

Gene: PRDM8 (PR/SET domain 8; plus strand). Cytogenetic location: 4q21.21.
Variant type: single nucleotide variant.
Coding change: c.1590C>G on transcript NM_001099403.2 (MANE Select); coding-DNA position 1590, C replaced by G.
Protein change: p.Asp530Glu; replaces aspartic acid 530 with glutamic acid.
Molecular consequence: missense variant.
Genome position (GRCh38, 1-based): chr4:80,203,052, C>G. VCF-style: chr4-80203052-C-G. GRCh37 (hg19) VCF-style: chr4-81124206-C-G.
Other names: c.1590C>G, p.Asp530Glu (NM_020226.4); c.1590C>G (NM_020226.3); short protein forms D530E.
Identifiers: ClinVar variation 1399607 (VCV001399607.9), dbSNP rs763088636, ClinGen allele CA2982407.